The following is an entry in ClinVar:

NM_000051.4(ATM):c.1191A>C (p.Lys397Asn)

Gene: ATM (ATM serine/threonine kinase; plus strand). Cytogenetic location: 11q22.3.
Variant type: single nucleotide variant.
Coding change: c.1191A>C on transcript NM_000051.4 (MANE Select); coding-DNA position 1191, A replaced by C.
Protein change: p.Lys397Asn; replaces lysine 397 with asparagine.
Molecular consequence: missense variant.
Genome position (GRCh38, 1-based): chr11:108,249,058, A>C. VCF-style: chr11-108249058-A-C. GRCh37 (hg19) VCF-style: chr11-108119785-A-C.
Other names: c.1191A>C, p.Lys397Asn (NM_001351834.2); short protein forms K397N.
Identifiers: ClinVar variation 962237 (VCV000962237.9), dbSNP rs2079999164, ClinGen allele CA382532572.

ClinVar aggregate classification (germline): Uncertain significance (1 of 4 stars; one submission).

Conditions:
Ataxia-telangiectasia syndrome (AT). Also called: AT, COMPLEMENTATION GROUP C; Ataxia telangiectasia (A-T); Cerebello-oculocutaneous telangiectasia; Immunodeficiency with ataxia telangiectasia; LOUIS-BAR SYNDROME; Ataxia-telangiectasia. Identifiers: Orphanet 100, MedGen C0004135, MONDO:0008840, OMIM 208900.

Submission:

Labcorp Genetics (formerly Invitae), Labcorp
Classification: Uncertain significance for Ataxia-telangiectasia syndrome. Last evaluated: 2019-08-03. Review status: criteria provided, single submitter. Criteria: Invitae Variant Classification Sherloc (09022015). Collection method: clinical testing. Allele origin: germline.
Comment: This variant has not been reported in the literature in individuals with ATM-related conditions. Algorithms developed to predict the effect of missense changes on protein structure and function (SIFT, PolyPhen-2, Align-GVGD) all suggest that this variant is likely to be tolerated, but these predictions have not been confirmed by published functional studies and their clinical significance is uncertain. In summary, the available evidence is currently insufficient to determine the role of this variant in disease. Therefore, it has been classified as a Variant of Uncertain Significance. This variant is not present in population databases (ExAC no frequency). This sequence change replaces lysine with asparagine at codon 397 of the ATM protein (p.Lys397Asn). The lysine residue is weakly conserved and there is a moderate physicochemical difference between lysine and asparagine.